The following is an entry in ClinVar:

NM_000264.5(PTCH1):c.3098G>C (p.Ser1033Thr)

Gene: PTCH1 (patched 1; minus strand). Cytogenetic location: 9q22.32.
Variant type: single nucleotide variant.
Coding change: c.3098G>C on transcript NM_000264.5 (MANE Select); coding-DNA position 3098, G replaced by C.
Protein change: p.Ser1033Thr; replaces serine 1033 with threonine.
Molecular consequence: missense variant. On other transcripts: non-coding transcript variant (1).
Genome position (GRCh38, 1-based): chr9:95,458,083, C>G on the plus strand (G>C on the coding strand, the complement: PTCH1 is on the minus strand). VCF-style: chr9-95458083-C-G. GRCh37 (hg19) VCF-style: chr9-98220365-C-G.
Other names: c.2900G>C, p.Ser967Thr (NM_001083602.3); c.3095G>C, p.Ser1032Thr (NM_001083603.3); c.2645G>C, p.Ser882Thr (NM_001083604.3, NM_001083605.3, NM_001083606.3 and 1 more transcripts); c.2942G>C, p.Ser981Thr (NM_001354918.2); short protein forms S1033T, S967T, S882T, S1032T, S981T.
Identifiers: ClinVar variation 822874 (VCV000822874.4), dbSNP rs1588539911, ClinGen allele CA374112395.
Genomic context (GRCh38, chr9:95,458,083, plus strand): 5'-GCCGTCCAGGGGTTCAGAAGGAAGACAGCGCACACGAGGAATGTGCAGGCCAACACCACG[C>G]TGATGAACAGCAGCAGCCAGTGGCGGAGGCCGATGTACTGCTCCCAGAAGAGGAAGGGGT-3'
Protein context (NP_000255.2, residues 1023-1043): GLRHWLLLFI[Ser1033Thr]VVLACTFLVC

ClinVar aggregate classification (germline): Uncertain significance (1 of 4 stars; one submission).

Conditions:
Hereditary cancer-predisposing syndrome. Also called: Tumor predisposition; Hereditary Cancer Syndrome; Neoplastic Syndromes, Hereditary; Hereditary neoplastic syndrome. Identifiers: Orphanet 140162, MedGen C0027672, MeSH D009386, MONDO:0015356.

Submission:

Ambry Genetics
Classification: Uncertain significance for Hereditary cancer-predisposing syndrome. Last evaluated: 2019-10-16. Review status: criteria provided, single submitter. Criteria: Ambry Variant Classification Scheme 2023. Collection method: clinical testing. Allele origin: germline.
Comment: The p.S1033T variant (also known as c.3098G>C), located in coding exon 18 of the PTCH1 gene, results from a G to C substitution at nucleotide position 3098. The serine at codon 1033 is replaced by threonine, an amino acid with similar properties. This amino acid position is highly conserved in available vertebrate species. In addition, this alteration is predicted to be deleterious by in silico analysis. Since supporting evidence is limited at this time, the clinical significance of this alteration remains unclear.